The following is an entry in ClinVar:

ClinVar aggregate classification (germline): Pathogenic (1 of 4 stars; one submission).

Conditions:
Developmental and epileptic encephalopathy, 9 (DEE9). Also called: EPILEPSY, FEMALE-RESTRICTED, WITH MENTAL RETARDATION; Early infantile epileptic encephalopathy 9; JUBERG-HELLMAN SYNDROME; PCDH19-Related X-Linked Female-Limited Epilepsy with Mental Retardation. Identifiers: Orphanet 101039, Orphanet 2076, MedGen C1848137, MONDO:0010246, OMIM 300088. Disease mechanism: loss of function.

Submission:

Labcorp Genetics (formerly Invitae), Labcorp
Classification: Pathogenic for Developmental and epileptic encephalopathy, 9. Last evaluated: 2022-09-07. Review status: criteria provided, single submitter. Criteria: Invitae Variant Classification Sherloc (09022015). Collection method: clinical testing. Allele origin: germline.
Comment: For these reasons, this variant has been classified as Pathogenic. ClinVar contains an entry for this variant (Variation ID: 837774). This variant has not been reported in the literature in individuals affected with PCDH19-related conditions. This variant is not present in population databases (gnomAD no frequency). This sequence change creates a premature translational stop signal (p.Ile178Thrfs*34) in the PCDH19 gene. It is expected to result in an absent or disrupted protein product. Loss-of-function variants in PCDH19 are known to be pathogenic (PMID: 21053371).

Literature cited by the submitters: PubMed 21053371.

NM_001184880.2(PCDH19):c.533del (p.Ile178fs)

Gene: PCDH19 (protocadherin 19; minus strand). Cytogenetic location: Xq22.1.
Variant type: Deletion.
Coding change: c.533del on transcript NM_001184880.2 (MANE Select); coding-DNA position 533, one base deleted (T; older notation c.533delT).
Protein change: p.Ile178fs; shifts the reading frame from isoleucine 178.
Molecular consequence: frameshift variant.
Genome position (GRCh38, 1-based): chrX:100,408,065, A deleted on the plus strand (T on the coding strand, the reverse complement: PCDH19 is on the minus strand). VCF-style (leftmost placement, unchanged base first): chrX-100408064-GA-G. GRCh37 (hg19) VCF-style: chrX-99663062-GA-G.
Other names: c.533del, p.Ile178fs (NM_001105243.2, NM_020766.3); short protein forms I178fs.
Identifiers: ClinVar variation 837774 (VCV000837774.11), dbSNP rs1928452385, ClinGen allele CA916083984.